The following is an entry in ClinVar:

ClinVar aggregate classification (germline): Uncertain significance (1 of 4 stars; one submission).

Allele frequency attached by ClinVar (database versions not stated): ExAC 0.00001; gnomAD exomes 0.00001; gnomAD 0.00003 and 0.00004; TOPMed 0.00003.
gnomAD v4.1: 51 of 1,614,088 alleles (0.0032%); highest among the groups gnomAD compares: Non-Finnish European, 0.0039%; no homozygotes.

Submission:

Labcorp Genetics (formerly Invitae), Labcorp
Classification: Uncertain significance. Last evaluated: 2021-08-28. Review status: criteria provided, single submitter. Criteria: Invitae Variant Classification Sherloc (09022015). Collection method: clinical testing. Allele origin: germline.
Comment: This sequence change replaces aspartic acid with glutamic acid at codon 716 of the TUBGCP6 protein (p.Asp716Glu). The aspartic acid residue is weakly conserved and there is a small physicochemical difference between aspartic acid and glutamic acid. This variant is present in population databases (rs753702719, ExAC 0.001%). This variant has not been reported in the literature in individuals affected with TUBGCP6-related conditions. Algorithms developed to predict the effect of missense changes on protein structure and function output the following: SIFT: "Tolerated"; PolyPhen-2: "Benign"; Align-GVGD: "Class C0". The glutamic acid amino acid residue is found in multiple mammalian species, which suggests that this missense change does not adversely affect protein function. In summary, the available evidence is currently insufficient to determine the role of this variant in disease. Therefore, it has been classified as a Variant of Uncertain Significance.

NM_020461.4(TUBGCP6):c.2148C>G (p.Asp716Glu)

Gene: TUBGCP6 (tubulin gamma complex component 6; minus strand). Cytogenetic location: 22q13.33.
Variant type: single nucleotide variant.
Coding change: c.2148C>G on transcript NM_020461.4 (MANE Select); coding-DNA position 2148, C replaced by G.
Protein change: p.Asp716Glu; replaces aspartic acid 716 with glutamic acid.
Molecular consequence: missense variant.
Genome position (GRCh38, 1-based): chr22:50,224,338, G>C on the plus strand (C>G on the coding strand, the complement: TUBGCP6 is on the minus strand). VCF-style: chr22-50224338-G-C. GRCh37 (hg19) VCF-style: chr22-50662767-G-C.
Other names: short protein forms D716E.
Identifiers: ClinVar variation 958542 (VCV000958542.7), dbSNP rs753702719, ClinGen allele CA10308341.